The following is an entry in ClinVar:

NM_001040142.2(SCN2A):c.5446G>T (p.Ala1816Ser)

Gene: SCN2A (sodium voltage-gated channel alpha subunit 2; plus strand). Cytogenetic location: 2q24.3.
Variant type: single nucleotide variant.
Coding change: c.5446G>T on transcript NM_001040142.2 (MANE Select); coding-DNA position 5446, G replaced by T.
Protein change: p.Ala1816Ser; replaces alanine 1816 with serine.
Molecular consequence: missense variant.
Genome position (GRCh38, 1-based): chr2:165,389,252, G>T. VCF-style: chr2-165389252-G-T. GRCh37 (hg19) VCF-style: chr2-166245762-G-T.
Other names: p.A1816S:GCC>TCC; c.5446G>T, p.Ala1816Ser (NM_001040143.2, NM_001371246.1, NM_001371247.1 and 1 more transcripts); short protein forms A1816S.
Identifiers: ClinVar variation 206956 (VCV000206956.32), dbSNP rs147084515, ClinGen allele CA317848.

ClinVar aggregate classification (germline): Conflicting classifications of pathogenicity. Review status: criteria provided, conflicting classifications (1 of 4 stars). 8 submissions from 8 submitters: Uncertain significance (1); Benign (2); Likely benign (4). 1 of the submissions does not count toward it. Last evaluated 2026-01-09.

Conditions:
SCN2A-related disorder. Also called: SCN2A-related condition; SCN2A-related disorders. Identifiers: MedGen CN382226, MONDO:1060245.
Developmental and epileptic encephalopathy, 11 (DEE11). Also called: Early infantile epileptic encephalopathy 11. Identifiers: Orphanet 1934, MedGen C3150987, MONDO:0013388, OMIM 613721.
Seizures, benign familial infantile, 3 (BFIS3). Also called: CONVULSIONS, BENIGN FAMILIAL INFANTILE, 3; Familial neonatal seizures. Identifiers: Orphanet 140927, Orphanet 306, MedGen C1843140, MONDO:0011904, OMIM 607745.
Inborn genetic diseases. Identifiers: MedGen C0950123, MeSH D030342.

Allele frequency attached by ClinVar (database versions not stated): gnomAD 0.00068 and 0.00079; ESP Exome Variant Server 0.00077; TOPMed 0.00078.
gnomAD v4.1: 175 of 1,614,026 alleles (0.011%); highest among the groups gnomAD compares: African/African-American, 0.19%; no homozygotes.

Submissions (8):

Labcorp Genetics (formerly Invitae), Labcorp
Classification: Likely benign for Seizures, benign familial infantile, 3; Developmental and epileptic encephalopathy, 11. Last evaluated: 2026-01-09. Review status: criteria provided, single submitter. Criteria: Invitae Variant Classification Sherloc (09022015). Collection method: clinical testing. Allele origin: germline.

CeGaT Center for Human Genetics Tuebingen
Classification: Benign. Last evaluated: 2025-11-01. Review status: criteria provided, single submitter. Criteria: CeGaT Center For Human Genetics Tuebingen Variant Classification Criteria Version 2. Collection method: clinical testing. Allele origin: germline. Affected: yes. Observed: 1 variant allele.
Comment: SCN2A: BP4, BS1, BS2

Ambry Genetics
Classification: Likely benign for Inborn genetic diseases. Last evaluated: 2023-11-06. Review status: criteria provided, single submitter. Criteria: Ambry Variant Classification Scheme 2023. Collection method: clinical testing. Allele origin: germline.

Blueprint Genetics
Classification: Likely benign. Last evaluated: 2023-04-26. Review status: criteria provided, single submitter. Criteria: ACMG Guidelines, 2015. Collection method: clinical testing. Allele origin: germline.

GeneDx
Classification: Benign. Last evaluated: 2019-04-16. Review status: criteria provided, single submitter. Criteria: GeneDx Variant Classification Process June 2021. Collection method: clinical testing. Allele origin: germline. Affected: yes.

Athena Diagnostics
Classification: Likely benign. Last evaluated: 2018-11-29. Review status: criteria provided, single submitter. Criteria: Athena Diagnostics Criteria. Collection method: clinical testing. Allele origin: germline.

Genetic Services Laboratory, University of Chicago
Classification: Uncertain significance. Last evaluated: 2015-04-22. Review status: criteria provided, single submitter. Criteria: ACMG Guidelines, 2015. Collection method: clinical testing. Allele origin: germline.

PreventionGenetics, part of Exact Sciences
Classification: Likely benign for SCN2A-related condition. Last evaluated: 2020-09-04. Review status: no assertion criteria provided. Collection method: clinical testing. Allele origin: germline. Not counted in ClinVar's aggregate classification.
Comment: This variant is classified as likely benign based on ACMG/AMP sequence variant interpretation guidelines (Richards et al. 2015 PMID: 25741868, with internal and published modifications).

Literature cited by the submitters: PubMed 22581653 (cited by Athena Diagnostics).